The following is an entry in ClinVar:

ClinVar aggregate classification (germline): Uncertain significance. Review status: criteria provided, multiple submitters, no conflicts (2 of 4 stars). 2 submissions from 2 submitters: Uncertain significance (2). Last evaluated 2025-10-01.

Conditions:
Hereditary nonpolyposis colorectal neoplasms. Identifiers: MedGen C0009405, MeSH D003123.
Hereditary cancer-predisposing syndrome. Also called: Neoplastic Syndromes, Hereditary; Tumor predisposition; Hereditary Cancer Syndrome; Hereditary neoplastic syndrome. Identifiers: Orphanet 140162, MedGen C0027672, MeSH D009386, MONDO:0015356.

Submissions (2):

Color Diagnostics, LLC DBA Color Health
Classification: Uncertain significance for Hereditary cancer-predisposing syndrome. Last evaluated: 2025-10-01. Review status: criteria provided, single submitter. Criteria: ACMG Guidelines, 2015. Collection method: clinical testing. Allele origin: germline.
Comment: This missense variant replaces arginine with glycine at codon 3 of the MSH6 protein. Computational prediction is inconclusive regarding the impact of this variant on protein structure and function. To our knowledge, functional studies have not been reported for this variant. This variant has not been reported in individuals affected with MSH6-related disorders in the literature. This variant has not been identified in the general population by the Genome Aggregation Database (gnomAD). The available evidence is insufficient to determine the role of this variant in disease conclusively. Therefore, this variant is classified as a Variant of Uncertain Significance.

Labcorp Genetics (formerly Invitae), Labcorp
Classification: Uncertain significance for Hereditary nonpolyposis colorectal neoplasms. Last evaluated: 2017-08-20. Review status: criteria provided, single submitter. Criteria: Invitae Variant Classification Sherloc (09022015). Collection method: clinical testing. Allele origin: germline.
Comment: This variant has not been reported in the literature in individuals with MSH6-related disease. This variant is not present in population databases (ExAC no frequency). This sequence change replaces arginine with glycine at codon 3 of the MSH6 protein (p.Arg3Gly). The arginine residue is weakly conserved and there is a moderate physicochemical difference between arginine and glycine. In summary, the available evidence is currently insufficient to determine the role of this variant in disease. Therefore, it has been classified as a Variant of Uncertain Significance. Algorithms developed to predict the effect of missense changes on protein structure and function do not agree on the potential impact of this missense change (SIFT: "Deleterious"; PolyPhen-2: "Probably Damaging"; Align-GVGD: "Class C0").

NM_000179.3(MSH6):c.7C>G (p.Arg3Gly)

Gene: MSH6 (mutS homolog 6; plus strand). Cytogenetic location: 2p16.3.
Variant type: single nucleotide variant.
Coding change: c.7C>G on transcript NM_000179.3 (MANE Select); coding-DNA position 7, C replaced by G.
Protein change: p.Arg3Gly; replaces arginine 3 with glycine.
Molecular consequence: missense variant. On other transcripts: 5 prime UTR variant (1).
Genome position (GRCh38, 1-based): chr2:47,783,240, C>G. VCF-style: chr2-47783240-C-G. GRCh37 (hg19) VCF-style: chr2-48010379-C-G.
Other names: c.7C>G, p.Arg3Gly (NM_001281492.2); c.-730C>G (NM_001281493.2); short protein forms R3G.
Identifiers: ClinVar variation 525709 (VCV000525709.10), dbSNP rs1553408074, ClinGen allele CA346734469.